The following is an entry in ClinVar:

NM_000553.6(WRN):c.1756G>C (p.Val586Leu)

Gene: WRN (WRN RecQ like helicase; plus strand). Cytogenetic location: 8p12.
Variant type: single nucleotide variant.
Coding change: c.1756G>C on transcript NM_000553.6 (MANE Select); coding-DNA position 1756, G replaced by C.
Protein change: p.Val586Leu; replaces valine 586 with leucine.
Molecular consequence: missense variant.
Genome position (GRCh38, 1-based): chr8:31,090,869, G>C. VCF-style: chr8-31090869-G-C. GRCh37 (hg19) VCF-style: chr8-30948385-G-C.
Other names: short protein forms V586L.
Identifiers: ClinVar variation 859474 (VCV000859474.5), dbSNP rs746690931, ClinGen allele CA4704479.

ClinVar aggregate classification (germline): Uncertain significance (1 of 4 stars; one submission).

Conditions:
Werner syndrome (WRN). Identifiers: Orphanet 902, MedGen C0043119, MONDO:0010196, OMIM 277700.

Allele frequency attached by ClinVar (database versions not stated): gnomAD exomes below 0.00001; TOPMed below 0.00001; ExAC 0.00001.

Submission:

Labcorp Genetics (formerly Invitae), Labcorp
Classification: Uncertain significance for Werner syndrome. Last evaluated: 2019-05-28. Review status: criteria provided, single submitter. Criteria: Invitae Variant Classification Sherloc (09022015). Collection method: clinical testing. Allele origin: germline.
Comment: In summary, the available evidence is currently insufficient to determine the role of this variant in disease. Therefore, it has been classified as a Variant of Uncertain Significance. Algorithms developed to predict the effect of missense changes on protein structure and function (SIFT, PolyPhen-2, Align-GVGD) all suggest that this variant is likely to be tolerated, but these predictions have not been confirmed by published functional studies and their clinical significance is uncertain. This variant has not been reported in the literature in individuals with WRN-related conditions. This variant is present in population databases (rs746690931, ExAC 0.01%). This sequence change replaces valine with leucine at codon 586 of the WRN protein (p.Val586Leu). The valine residue is highly conserved and there is a small physicochemical difference between valine and leucine.